The following is an entry in ClinVar:

ClinVar aggregate classification (germline): Benign/Likely benign. Review status: criteria provided, multiple submitters, no conflicts (2 of 4 stars). 14 submissions from 14 submitters: Benign (7); Likely benign (2). 5 of the submissions do not count toward it. Last evaluated 2026-09-01.

Conditions:
PIK3CA-related disorder. Also called: PIK3CA-related disorders; PIK3CA- related disease; PIK3CA-related condition.
Cowden syndrome 5 (CWS5). Identifiers: Orphanet 201, MedGen C3554518, MONDO:0014047, OMIM 615108.
Inborn genetic diseases. Identifiers: MedGen C0950123, MeSH D030342.
Cowden syndrome (CS). Also called: Cowden's disease; Cowden's syndrome; Cowden disease. Identifiers: Orphanet 201, MedGen C0018553, MONDO:0016063. Disease mechanism: gain of function.

Allele frequency attached by ClinVar (database versions not stated): 1000 Genomes Project 30x 0.00484; 1000 Genomes Project 0.00519; ExAC 0.00704; gnomAD 0.00712 and 0.00769; gnomAD exomes 0.00737; ESP Exome Variant Server 0.00789; TOPMed 0.00829.
gnomAD v4.1: 14,108 of 1,605,692 alleles (0.88%); highest among the groups gnomAD compares: Admixed American, 1%; 78 homozygotes.

Submissions (14):

CeGaT Center for Human Genetics Tuebingen
Classification: Benign. Last evaluated: 2026-09-01. Review status: criteria provided, single submitter. Criteria: CeGaT Center For Human Genetics Tuebingen Variant Classification Criteria Version 2. Collection method: clinical testing. Allele origin: germline. Affected: yes. Observed: 129 variant alleles.
Comment: PIK3CA: BP4, BP7, BS1, BS2

Labcorp Genetics (formerly Invitae), Labcorp
Classification: Benign for Cowden syndrome. Last evaluated: 2026-01-22. Review status: criteria provided, single submitter. Criteria: Invitae Variant Classification Sherloc (09022015). Collection method: clinical testing. Allele origin: germline.

Blueprint Genetics
Classification: Likely benign. Last evaluated: 2024-11-26. Review status: criteria provided, single submitter. Criteria: ACMG Guidelines, 2015. Collection method: clinical testing. Allele origin: germline.

KCCC/NGS Laboratory, Kuwait Cancer Control Center
Classification: Benign for Cowden syndrome 5. Last evaluated: 2023-07-07. Review status: criteria provided, single submitter. Criteria: ACMG Guidelines, 2015. Collection method: clinical testing. Allele origin: germline. Affected: yes.

Ambry Genetics
Classification: Likely benign for Inborn genetic diseases. Last evaluated: 2022-02-12. Review status: criteria provided, single submitter. Criteria: Ambry Variant Classification Scheme 2023. Collection method: clinical testing. Allele origin: germline.

ARUP Laboratories, Molecular Genetics and Genomics, ARUP Laboratories
Classification: Benign. Last evaluated: 2020-12-05. Review status: criteria provided, single submitter. Criteria: ARUP Molecular Germline Variant Investigation Process 2021. Collection method: clinical testing. Allele origin: germline.

GeneDx
Classification: Benign. Last evaluated: 2019-01-04. Review status: criteria provided, single submitter. Criteria: GeneDx Variant Classification Process June 2021. Collection method: clinical testing. Allele origin: germline. Affected: yes.

Genetic Services Laboratory, University of Chicago
Classification: Benign. Last evaluated: 2018-09-24. Review status: criteria provided, single submitter. Criteria: ACMG Guidelines, 2015. Collection method: clinical testing. Allele origin: germline. Affected: no.

Breakthrough Genomics
Classification: Benign. Review status: criteria provided, single submitter. Criteria: ACMG Guidelines, 2015. Collection method: not provided. Allele origin: germline. Inheritance: Autosomal dominant inheritance. Affected: yes.

PreventionGenetics, part of Exact Sciences
Classification: Benign for PIK3CA-related condition. Last evaluated: 2019-04-10. Review status: no assertion criteria provided. Collection method: clinical testing. Allele origin: germline. Not counted in ClinVar's aggregate classification.
Comment: This variant is classified as benign based on ACMG/AMP sequence variant interpretation guidelines (Richards et al. 2015 PMID: 25741868, with internal and published modifications).

Clinical Genetics DNA and cytogenetics Diagnostics Lab, Erasmus MC, Erasmus Medical Center
Classification: Likely benign. Review status: no assertion criteria provided. Collection method: clinical testing. Allele origin: germline. Affected: yes. Study: VKGL Data-share Consensus. Not counted in ClinVar's aggregate classification.

Clinical Genetics, Academic Medical Center
Classification: Benign. Review status: no assertion criteria provided. Collection method: clinical testing. Allele origin: germline. Affected: yes. Study: VKGL Data-share Consensus. Not counted in ClinVar's aggregate classification.

Genome Diagnostics Laboratory, Amsterdam University Medical Center
Classification: Benign. Review status: no assertion criteria provided. Collection method: clinical testing. Allele origin: germline. Affected: yes. Study: VKGL Data-share Consensus. Not counted in ClinVar's aggregate classification.

Laboratory of Diagnostic Genome Analysis, Leiden University Medical Center (LUMC)
Classification: Benign. Review status: no assertion criteria provided. Collection method: clinical testing. Allele origin: germline. Affected: yes. Study: VKGL Data-share Consensus. Not counted in ClinVar's aggregate classification.

NM_006218.4(PIK3CA):c.363C>T (p.Ile121=)

Gene: PIK3CA (phosphatidylinositol-4,5-bisphosphate 3-kinase catalytic subunit alpha; plus strand). Cytogenetic location: 3q26.32.
Variant type: single nucleotide variant.
Coding change: c.363C>T on transcript NM_006218.4 (MANE Select); coding-DNA position 363, C replaced by T.
Protein change: p.Ile121=; no amino-acid change (isoleucine 121 retained).
Molecular consequence: synonymous variant.
Genome position (GRCh38, 1-based): chr3:179,199,700, C>T. VCF-style: chr3-179199700-C-T. GRCh37 (hg19) VCF-style: chr3-178917488-C-T.
Other names: c.363C>T (LRG_310t1).
Identifiers: ClinVar variation 220946 (VCV000220946.61), dbSNP rs115746478, ClinGen allele CA350151.